The following is an entry in ClinVar:

NM_012123.4(MTO1):c.202C>T (p.Arg68Cys)

Gene: MTO1 (mitochondrial tRNA translation optimization 1; plus strand). Cytogenetic location: 6q13.
Variant type: single nucleotide variant.
Coding change: c.202C>T on transcript NM_012123.4 (MANE Select); coding-DNA position 202, C replaced by T.
Protein change: p.Arg68Cys; replaces arginine 68 with cysteine.
Molecular consequence: missense variant.
Genome position (GRCh38, 1-based): chr6:73,462,056, C>T. VCF-style: chr6-73462056-C-T. GRCh37 (hg19) VCF-style: chr6-74171779-C-T.
Other names: c.202C>T, p.Arg68Cys (NM_001123226.2, NM_133645.3); short protein forms R68C.
Identifiers: ClinVar variation 1953102 (VCV001953102.2), dbSNP rs2533234189, ClinGen allele CA364712097.
Genomic context (GRCh38, chr6:73,462,056, plus strand): 5'-GGGACTGAGGCAGCCACCGCCGCCGCTCGGTGCGGCTCTCGGACTCTGCTCCTCACTCAC[C>T]GCGTGGACACGATCGGTGAGGAGCGCGGGTGCTGTGGAACTTGGCGTAGGACGCAGGCTG-3'
Protein context (NP_036255.2, residues 58-78): CGSRTLLLTH[Arg68Cys]VDTIGQMSCN

ClinVar aggregate classification (germline): Uncertain significance (1 of 4 stars; one submission).

Conditions:
Mitochondrial hypertrophic cardiomyopathy with lactic acidosis due to MTO1 deficiency. Also called: Combined oxidative phosphorylation deficiency 10; CARDIOMYOPATHY, INFANTILE HYPERTROPHIC MITOCHONDRIAL, AND LACTIC ACIDOSIS. Identifiers: Orphanet 314637, MedGen C4749921, MONDO:0013865, OMIM 614702.

Allele frequency attached by ClinVar (database versions not stated): gnomAD exomes below 0.00001.

Submission:

Labcorp Genetics (formerly Invitae), Labcorp
Classification: Uncertain significance for Mitochondrial hypertrophic cardiomyopathy with lactic acidosis due to MTO1 deficiency. Last evaluated: 2022-08-05. Review status: criteria provided, single submitter. Criteria: Invitae Variant Classification Sherloc (09022015). Collection method: clinical testing. Allele origin: germline.
Comment: This sequence change replaces arginine, which is basic and polar, with cysteine, which is neutral and slightly polar, at codon 68 of the MTO1 protein (p.Arg68Cys). This variant is not present in population databases (gnomAD no frequency). This variant has not been reported in the literature in individuals affected with MTO1-related conditions. Algorithms developed to predict the effect of missense changes on protein structure and function are either unavailable or do not agree on the potential impact of this missense change (SIFT: "Deleterious"; PolyPhen-2: "Possibly Damaging"; Align-GVGD: "Class C0"). In summary, the available evidence is currently insufficient to determine the role of this variant in disease. Therefore, it has been classified as a Variant of Uncertain Significance.